The following is an entry in ClinVar:

ClinVar aggregate classification (germline): Uncertain significance. Review status: criteria provided, multiple submitters, no conflicts (2 of 4 stars). 2 submissions from 2 submitters: Uncertain significance (2). Last evaluated 2025-01-27.

Conditions:
Hajdu-Cheney syndrome (HJCYS). Also called: ACROOSTEOLYSIS WITH OSTEOPOROSIS AND CHANGES IN SKULL AND MANDIBLE; SERPENTINE FIBULA-POLYCYSTIC KIDNEY SYNDROME; Acroosteolysis dominant type. Identifiers: Orphanet 955, MedGen C0917715, MONDO:0007057, OMIM 102500.

gnomAD v4.1: 6 of 1,614,062 alleles (0.00037%); highest among the groups gnomAD compares: South Asian, 0.0022%; no homozygotes.

Submissions (2):

Labcorp Genetics (formerly Invitae), Labcorp
Classification: Uncertain significance for Hajdu-Cheney syndrome. Last evaluated: 2025-01-27. Review status: criteria provided, single submitter. Criteria: Invitae Variant Classification Sherloc (09022015). Collection method: clinical testing. Allele origin: germline.
Comment: This sequence change replaces arginine, which is basic and polar, with histidine, which is basic and polar, at codon 2053 of the NOTCH2 protein (p.Arg2053His). This variant is not present in population databases (gnomAD no frequency). This missense change has been observed in individual(s) with clinical features of Alagille syndrome (PMID: 31130284). ClinVar contains an entry for this variant (Variation ID: 1928117). Invitae Evidence Modeling of protein sequence and biophysical properties (such as structural, functional, and spatial information, amino acid conservation, physicochemical variation, residue mobility, and thermodynamic stability) has been performed for this missense variant. However, the output from this modeling did not meet the statistical confidence thresholds required to predict the impact of this variant on NOTCH2 protein function. In summary, the available evidence is currently insufficient to determine the role of this variant in disease. Therefore, it has been classified as a Variant of Uncertain Significance.

Genomic Medicine Center of Excellence, King Faisal Specialist Hospital and Research Centre
Classification: Uncertain significance for Hajdu-Cheney syndrome. Last evaluated: 2024-12-18. Review status: criteria provided, single submitter. Criteria: ACMG Guidelines, 2015. Collection method: clinical testing. Allele origin: germline.

Literature cited by the submitters: PubMed 31130284 (cited by Labcorp Genetics (formerly Invitae), Labcorp).

NM_024408.4(NOTCH2):c.6158G>A (p.Arg2053His)

Gene: NOTCH2 (notch receptor 2; minus strand). Cytogenetic location: 1p12.
Variant type: single nucleotide variant.
Coding change: c.6158G>A on transcript NM_024408.4 (MANE Select); coding-DNA position 6158, G replaced by A.
Protein change: p.Arg2053His; replaces arginine 2053 with histidine.
Molecular consequence: missense variant.
Genome position (GRCh38, 1-based): chr1:119,916,564, C>T on the plus strand (G>A on the coding strand, the complement: NOTCH2 is on the minus strand). VCF-style: chr1-119916564-C-T. GRCh37 (hg19) VCF-style: chr1-120459187-C-T.
Other names: short protein forms R2053H.
Identifiers: ClinVar variation 1928117 (VCV001928117.6), dbSNP rs1649080785, ClinGen allele CA341880493.